The following is an entry in ClinVar:

ClinVar aggregate classification (germline): Uncertain significance (1 of 4 stars; one submission).

Conditions:
Neuronal ceroid lipofuscinosis. Also called: Neuronal Ceroid Lipofuscinoses. Identifiers: Orphanet 216, Orphanet 79263, MedGen C0027877, MONDO:0016295. Disease mechanism: loss of function.

Allele frequency attached by ClinVar (database versions not stated): ExAC 0.00001; TOPMed 0.00002.
gnomAD v4.1: 5 of 1,611,060 alleles (0.00031%); highest among the groups gnomAD compares: East Asian, 0.011%; no homozygotes.

Submission:

Labcorp Genetics (formerly Invitae), Labcorp
Classification: Uncertain significance for Neuronal ceroid lipofuscinosis. Last evaluated: 2022-09-27. Review status: criteria provided, single submitter. Criteria: Invitae Variant Classification Sherloc (09022015). Collection method: clinical testing. Allele origin: germline.
Comment: This sequence change replaces glutamic acid, which is acidic and polar, with glycine, which is neutral and non-polar, at codon 288 of the CTSD protein (p.Glu288Gly). This variant is present in population databases (rs773273362, gnomAD 0.02%). This missense change has been observed in individual(s) with pervasive brain developmental disorder (PMID: 34331747). Advanced modeling of protein sequence and biophysical properties (such as structural, functional, and spatial information, amino acid conservation, physicochemical variation, residue mobility, and thermodynamic stability) performed at Invitae indicates that this missense variant is not expected to disrupt CTSD protein function. Experimental studies have shown that this missense change does not substantially affect CTSD function (PMID: 34331747). In summary, the available evidence is currently insufficient to determine the role of this variant in disease. Therefore, it has been classified as a Variant of Uncertain Significance.

Literature cited by the submitters: PubMed 34331747.

NM_001909.5(CTSD):c.863A>G (p.Glu288Gly)

Gene: CTSD (cathepsin D; minus strand). Cytogenetic location: 11p15.5.
Variant type: single nucleotide variant.
Coding change: c.863A>G on transcript NM_001909.5 (MANE Select); coding-DNA position 863, A replaced by G.
Protein change: p.Glu288Gly; replaces glutamic acid 288 with glycine.
Molecular consequence: missense variant.
Genome position (GRCh38, 1-based): chr11:1,754,103, T>C on the plus strand (A>G on the coding strand, the complement: CTSD is on the minus strand). VCF-style: chr11-1754103-T-C. GRCh37 (hg19) VCF-style: chr11-1775333-T-C.
Other names: short protein forms E288G.
Identifiers: ClinVar variation 2076547 (VCV002076547.1), dbSNP rs773273362, ClinGen allele CA5814002.